The following is an entry in ClinVar:

ClinVar aggregate classification (germline): Uncertain significance. Review status: criteria provided, multiple submitters, no conflicts (2 of 4 stars). 2 submissions from 2 submitters: Uncertain significance (2). Last evaluated 2026-01-01.

Allele frequency attached by ClinVar (database versions not stated): gnomAD 0.00001; TOPMed 0.00002.
gnomAD v4.1: 47 of 1,613,962 alleles (0.0029%); highest among the groups gnomAD compares: African/African-American, 0.004%; no homozygotes.

Submissions (2):

Labcorp Genetics (formerly Invitae), Labcorp
Classification: Uncertain significance. Last evaluated: 2026-01-01. Review status: criteria provided, single submitter. Criteria: Invitae Variant Classification Sherloc (09022015). Collection method: clinical testing. Allele origin: germline.
Comment: This sequence change replaces arginine, which is basic and polar, with histidine, which is basic and polar, at codon 501 of the CLCN6 protein (p.Arg501His). This variant is present in population databases (no rsID available, gnomAD 0.0009%). This variant has not been reported in the literature in individuals affected with CLCN6-related conditions. ClinVar contains an entry for this variant (Variation ID: 1708353). An algorithm developed to predict the effect of missense changes on protein structure and function (PolyPhen-2) suggests that this variant is likely to be disruptive. In summary, the available evidence is currently insufficient to determine the role of this variant in disease. Therefore, it has been classified as a Variant of Uncertain Significance.

Centre of Medical Genetics, University Hospital Muenster
Classification: Uncertain significance. Last evaluated: 2021-12-21. Review status: criteria provided, single submitter. Criteria: ACMG Guidelines, 2015. Collection method: clinical testing. Allele origin: unknown. Affected: yes. Observed: 1 variant allele, 1 heterozygote.
Comment: ACMG categories: PM1,PM2,PP3

NM_001286.5(CLCN6):c.1502G>A (p.Arg501His)

Gene: CLCN6 (Cl-/H+ antiporter 6; plus strand). Cytogenetic location: 1p36.22.
Variant type: single nucleotide variant.
Coding change: c.1502G>A on transcript NM_001286.5 (MANE Select); coding-DNA position 1502, G replaced by A.
Protein change: p.Arg501His; replaces arginine 501 with histidine.
Molecular consequence: missense variant. On other transcripts: non-coding transcript variant (1).
Genome position (GRCh38, 1-based): chr1:11,834,006, G>A. VCF-style: chr1-11834006-G-A. GRCh37 (hg19) VCF-style: chr1-11894063-G-A.
Other names: c.1436G>A, p.Arg479His (NM_001256959.2); short protein forms R479H, R501H.
Identifiers: ClinVar variation 1708353 (VCV001708353.7), dbSNP rs1163943370, ClinGen allele CA338435616.
Genomic context (GRCh38, chr1:11,834,006, plus strand): 5'-GCATTTCTGTTCCAAGTGGCCTTTTTGTGCCTTCTCTGCTGTGTGGAGCTGCTTTTGGAC[G>A]TTTAGTTGCCAATGTCCTAAAAAGGTACTCTGTGTGTGTGCGTGTGTGTGCGCATGTGCA-3'
Protein context (NP_001277.2, residues 491-511): PSLLCGAAFG[Arg501His]LVANVLKSYI